The following is an entry in ClinVar:

NM_002471.4(MYH6):c.1822G>A (p.Ala608Thr)

Gene: MYH6 (myosin heavy chain 6; minus strand). Cytogenetic location: 14q11.2.
Variant type: single nucleotide variant.
Coding change: c.1822G>A on transcript NM_002471.4 (MANE Select); coding-DNA position 1822, G replaced by A.
Protein change: p.Ala608Thr; replaces alanine 608 with threonine.
Molecular consequence: missense variant.
Genome position (GRCh38, 1-based): chr14:23,398,797, C>T on the plus strand (G>A on the coding strand, the complement: MYH6 is on the minus strand). VCF-style: chr14-23398797-C-T. GRCh37 (hg19) VCF-style: chr14-23868006-C-T.
Other names: short protein forms A608T.
Identifiers: ClinVar variation 312875 (VCV000312875.7), dbSNP rs886050409, ClinGen allele CA10634736.
Genomic context (GRCh38, chr14:23,398,797, plus strand): 5'-CAGTTGCGTAGGAGGAGAAGAGAGTGGCCATGAGCTTGAGGGAGGACTTCTGGTACAGGG[C>T]CACAACAGTCTCGTTGAGAGGATCCTTGTTTTTTTCCAGCCAGCCCAGGATGTTGTAGTC-3'
Protein context (NP_002462.2, residues 598-618): NKDPLNETVV[Ala608Thr]LYQKSSLKLM

ClinVar aggregate classification (germline): Uncertain significance (1 of 4 stars; one submission).

Conditions:
Cardiovascular phenotype. Identifiers: MedGen CN230736.

Allele frequency attached by ClinVar (database versions not stated): gnomAD 0.00001; gnomAD exomes 0.00002.
gnomAD v4.1: 23 of 1,614,080 alleles (0.0014%); highest among the groups gnomAD compares: South Asian, 0.021%; no homozygotes.

Submission:

Ambry Genetics
Classification: Uncertain significance for Cardiovascular phenotype. Last evaluated: 2022-12-23. Review status: criteria provided, single submitter. Criteria: Ambry Variant Classification Scheme 2023. Collection method: clinical testing. Allele origin: germline.
Comment: The p.A608T variant (also known as c.1822G>A), located in coding exon 13 of the MYH6 gene, results from a G to A substitution at nucleotide position 1822. The alanine at codon 608 is replaced by threonine, an amino acid with similar properties. This amino acid position is conserved. In addition, this alteration is predicted to be tolerated by in silico analysis. Since supporting evidence is limited at this time, the clinical significance of this alteration remains unclear.